The following is an entry in ClinVar:

ClinVar aggregate classification (germline): Uncertain significance (1 of 4 stars; one submission).

Submission:

Ambry Genetics
Classification: Uncertain significance. Last evaluated: 2023-01-19. Review status: criteria provided, single submitter. Criteria: Ambry Variant Classification Scheme 2023. Collection method: clinical testing. Allele origin: germline.
Comment: The p.P1227T variant (also known as c.3679C>A), located in coding exon 4 of the ALPK2 gene, results from a C to A substitution at nucleotide position 3679. The proline at codon 1227 is replaced by threonine, an amino acid with highly similar properties. This amino acid position is conserved. In addition, this alteration is predicted to be tolerated by in silico analysis. Since supporting evidence is limited at this time, the clinical significance of this alteration remains unclear.

NM_052947.4(ALPK2):c.3679C>A (p.Pro1227Thr)

Genes: ALPK2 (alpha kinase 2; minus strand), LOC126862764 (BRD4-independent group 4 enhancer GRCh37_chr18:56202574-56203773; plus strand). Cytogenetic location: 18q21.31.
Variant type: single nucleotide variant.
Coding change: c.3679C>A on transcript NM_052947.4 (MANE Select); coding-DNA position 3679, C replaced by A.
Protein change: p.Pro1227Thr; replaces proline 1227 with threonine.
Molecular consequence: missense variant.
Genome position (GRCh38, 1-based): chr18:58,536,508, G>T on the plus strand (C>A on the coding strand, the complement: ALPK2 is on the minus strand). VCF-style: chr18-58536508-G-T. GRCh37 (hg19) VCF-style: chr18-56203740-G-T.
Other names: short protein forms P1227T.
Identifiers: ClinVar variation 2449261 (VCV002449261.2), dbSNP rs2518876137, ClinGen allele CA402566095.
Genomic context (GRCh38, chr18:58,536,508, plus strand): 5'-CAGAAGCGGAAGCCTCTAGAGTTATAATCTTCAGCTTGTTGCCTGCCTCCCAATTTCCAG[G>T]TCTATATTCTTTAGACTCTTCCAAAAGGATATCAGAGAGAGATGGAACGTTGCTCAGAGC-3'
Protein context (NP_443179.3, residues 1217-1237): ILLEESKEYR[Pro1227Thr]GNWEAGNKLK